The following is an entry in ClinVar:

NM_022437.3(ABCG8):c.36G>A (p.Pro12=)

Genes: ABCG5 (ATP binding cassette subfamily G member 5; minus strand), ABCG8 (ATP binding cassette subfamily G member 8; plus strand). Cytogenetic location: 2p21.
Variant type: single nucleotide variant.
Coding change: c.36G>A on transcript NM_022437.3 (MANE Select); coding-DNA position 36, G replaced by A.
Protein change: p.Pro12=; no amino-acid change (proline 12 retained).
Molecular consequence: synonymous variant.
Genome position (GRCh38, 1-based): chr2:43,839,089, G>A. VCF-style: chr2-43839089-G-A. GRCh37 (hg19) VCF-style: chr2-44066228-G-A.
Other names: c.36G>A, p.Pro12= (NM_001357321.2).
Identifiers: ClinVar variation 336061 (VCV000336061.9), dbSNP rs368998235, ClinGen allele CA1636856.

ClinVar aggregate classification (germline): Conflicting classifications of pathogenicity. Review status: criteria provided, conflicting classifications (1 of 4 stars). 3 submissions from 3 submitters: Uncertain significance (1); Likely benign (1). 1 of the submissions does not count toward it. Last evaluated 2019-08-24.

Conditions:
Sitosterolemia 1. Identifiers: MedGen C2749759, MONDO:0020747, OMIM 210250.
ABCG8-related disorder. Also called: ABCG8-related condition.
Cardiovascular phenotype. Identifiers: MedGen CN230736.

Allele frequency attached by ClinVar (database versions not stated): TOPMed 0.00002; ESP Exome Variant Server 0.00009; ExAC 0.00005; gnomAD 0.00002.
gnomAD v4.1: 37 of 1,551,170 alleles (0.0024%); highest among the groups gnomAD compares: Non-Finnish European, 0.003%; no homozygotes.

Submissions (3):

Ambry Genetics
Classification: Likely benign for Cardiovascular phenotype. Last evaluated: 2019-08-24. Review status: criteria provided, single submitter. Criteria: Ambry Variant Classification Scheme 2023. Collection method: clinical testing. Allele origin: germline.

Illumina Laboratory Services, Illumina
Classification: Uncertain significance for Sitosterolemia 1. Last evaluated: 2018-01-13. Review status: criteria provided, single submitter. Criteria: ICSL Variant Classification Criteria 13 December 2019. Collection method: clinical testing. Allele origin: germline.

PreventionGenetics, part of Exact Sciences
Classification: Likely benign for ABCG8-related condition. Last evaluated: 2021-05-07. Review status: no assertion criteria provided. Collection method: clinical testing. Allele origin: germline. Not counted in ClinVar's aggregate classification.
Comment: This variant is classified as likely benign based on ACMG/AMP sequence variant interpretation guidelines (Richards et al. 2015 PMID: 25741868, with internal and published modifications).